The following is an entry in ClinVar:

ClinVar aggregate classification (germline): Benign/Likely benign. Review status: criteria provided, multiple submitters, no conflicts (2 of 4 stars). 3 submissions from 3 submitters: Benign (2); Likely benign (1). Last evaluated 2026-08-01.

Allele frequency attached by ClinVar (database versions not stated): gnomAD exomes 0.00418; ExAC 0.00436; TOPMed 0.00469; ESP Exome Variant Server 0.00515; 1000 Genomes Project 0.00120; 1000 Genomes Project 30x 0.00125; gnomAD 0.00405 and 0.00418.
gnomAD v4.1: 10,200 of 1,609,764 alleles (0.63%); highest among the groups gnomAD compares: Non-Finnish European, 0.75%; 46 homozygotes.

Submissions (3):

CeGaT Center for Human Genetics Tuebingen
Classification: Likely benign. Last evaluated: 2026-08-01. Review status: criteria provided, single submitter. Criteria: CeGaT Center For Human Genetics Tuebingen Variant Classification Criteria Version 2. Collection method: clinical testing. Allele origin: germline. Affected: yes. Observed: 2 variant alleles.
Comment: KEAP1: BP4, BP7, BS2

Labcorp Genetics (formerly Invitae), Labcorp
Classification: Benign. Last evaluated: 2019-12-31. Review status: criteria provided, single submitter. Criteria: Invitae Variant Classification Sherloc (09022015). Collection method: clinical testing. Allele origin: germline.

Breakthrough Genomics
Classification: Benign. Review status: criteria provided, single submitter. Criteria: ACMG Guidelines, 2015. Collection method: not provided. Allele origin: germline. Inheritance: Unknown mechanism. Affected: yes.

NM_203500.2(KEAP1):c.93G>A (p.Val31=)

Gene: KEAP1 (kelch like ECH associated protein 1; minus strand). Cytogenetic location: 19p13.2.
Variant type: single nucleotide variant.
Coding change: c.93G>A on transcript NM_203500.2 (MANE Select); coding-DNA position 93, G replaced by A.
Protein change: p.Val31=; no amino-acid change (valine 31 retained).
Molecular consequence: synonymous variant.
Genome position (GRCh38, 1-based): chr19:10,499,941, C>T on the plus strand (G>A on the coding strand, the complement: KEAP1 is on the minus strand). VCF-style: chr19-10499941-C-T. GRCh37 (hg19) VCF-style: chr19-10610617-C-T.
Other names: c.93G>A, p.Val31= (NM_012289.4).
Identifiers: ClinVar variation 770459 (VCV000770459.29), dbSNP rs141924513, ClinGen allele CA9195700.